The following is an entry in ClinVar:

ClinVar aggregate classification (germline): Uncertain significance (1 of 4 stars; one submission).

Submission:

Ambry Genetics
Classification: Uncertain significance. Last evaluated: 2025-06-24. Review status: criteria provided, single submitter. Criteria: Ambry Variant Classification Scheme 2023. Collection method: clinical testing. Allele origin: germline.
Comment: The p.R117P variant (also known as c.350G>C), located in coding exon 2 of the RNF43 gene, results from a G to C substitution at nucleotide position 350. The arginine at codon 117 is replaced by proline, an amino acid with dissimilar properties. This amino acid position is well conserved in available vertebrate species. In addition, the in silico prediction for this alteration is inconclusive. The evidence for this gene-disease relationship is limited; therefore, the clinical significance of this alteration is unclear.

NM_017763.6(RNF43):c.350G>C (p.Arg117Pro)

Gene: RNF43 (ring finger protein 43; minus strand). Cytogenetic location: 17q22.
Variant type: single nucleotide variant.
Coding change: c.350G>C on transcript NM_017763.6 (MANE Select); coding-DNA position 350, G replaced by C.
Protein change: p.Arg117Pro; replaces arginine 117 with proline.
Molecular consequence: missense variant. On other transcripts: 5 prime UTR variant (2).
Genome position (GRCh38, 1-based): chr17:58,370,936, C>G on the plus strand (G>C on the coding strand, the complement: RNF43 is on the minus strand). VCF-style: chr17-58370936-C-G. GRCh37 (hg19) VCF-style: chr17-56448297-C-G.
Other names: c.350G>C, p.Arg117Pro (NM_001305544.3, NM_001438820.1, NM_001438821.1 and 1 more transcripts); c.-32G>C (NM_001305545.2, NM_001437987.1); short protein forms R117P.
Identifiers: ClinVar variation 4155716 (VCV004155716.1).